The following is an entry in ClinVar:

ClinVar aggregate classification (germline): Uncertain significance (1 of 4 stars; one submission).

Submission:

Labcorp Genetics (formerly Invitae), Labcorp
Classification: Uncertain significance. Last evaluated: 2022-07-26. Review status: criteria provided, single submitter. Criteria: Invitae Variant Classification Sherloc (09022015). Collection method: clinical testing. Allele origin: germline.
Comment: This variant results in a copy number gain of the genomic region encompassing exon(s) 1-4 of the PRKN gene. This region includes the initiator codon of the gene. This copy number gain extends beyond the assayed region for this gene and therefore may encompass additional genes. As the precise location of this event is unknown, it may be in tandem or it may be located elsewhere in the genome. A similar copy number variant has been observed in individuals with Parkinson's disease (PMID: 31618739; Invitae). Experimental studies and prediction algorithms are not available or were not evaluated, and the functional significance of this variant is currently unknown. In summary, the available evidence is currently insufficient to determine the role of this variant in disease. Therefore, it has been classified as a Variant of Uncertain Significance.

Literature cited by the submitters: PubMed 31618739.

NC_000006.11:g.(?_162622143)_(163148700_?)dup

Genes: PACRG (parkin coregulated; plus strand), PRKN (parkin RBR E3 ubiquitin protein ligase; minus strand). Cytogenetic location: 6q26.
Variant type: Duplication.
Identifiers: ClinVar variation 2425162 (VCV002425162.2).